The following is an entry in ClinVar:

NM_001006658.3(CR2):c.1021C>T (p.Arg341Cys)

Genes: CR2 (complement C3d receptor 2; plus strand), LOC126805994 (BRD4-independent group 4 enhancer GRCh37_chr1:207642622-207643821; plus strand). Cytogenetic location: 1q32.2.
Variant type: single nucleotide variant.
Coding change: c.1021C>T on transcript NM_001006658.3 (MANE Select); coding-DNA position 1021, C replaced by T.
Protein change: p.Arg341Cys; replaces arginine 341 with cysteine.
Molecular consequence: missense variant.
Genome position (GRCh38, 1-based): chr1:207,469,898, C>T. VCF-style: chr1-207469898-C-T. GRCh37 (hg19) VCF-style: chr1-207643243-C-T.
Other names: c.1021C>T, p.Arg341Cys (NM_001877.5); short protein forms R341C.
Identifiers: ClinVar variation 846191 (VCV000846191.8), dbSNP rs529311780, ClinGen allele CA1368607.

ClinVar aggregate classification (germline): Uncertain significance. Review status: criteria provided, multiple submitters, no conflicts (2 of 4 stars). 4 submissions from 4 submitters: Uncertain significance (4). Last evaluated 2026-04-26.

Conditions:
CR2-related disorder. Also called: CR2-related disorders; CR2-related condition.
Immunodeficiency, common variable, 7. Identifiers: Orphanet 1572, Orphanet 696894, MedGen C3542922, MONDO:0013862, OMIM 614699.

Allele frequency attached by ClinVar (database versions not stated): TOPMed 0.00004; gnomAD 0.00005.
gnomAD v4.1: 117 of 1,613,866 alleles (0.0072%); highest among the groups gnomAD compares: Middle Eastern, 0.049%; no homozygotes.

Submissions (4):

PreventionGenetics, part of Exact Sciences
Classification: Uncertain significance for CR2-related condition. Last evaluated: 2026-04-26. Review status: criteria provided, single submitter. Criteria: ACMG Guidelines, 2015. Collection method: clinical testing. Allele origin: germline.
Comment: The CR2 c.1021C>T variant is predicted to result in the amino acid substitution p.Arg341Cys. To our knowledge, this variant has not been reported in the literature. This variant is reported in 0.0093% of alleles in individuals of European (Non-Finnish) descent in gnomAD. At this time, the clinical significance of this variant is uncertain due to the absence of conclusive functional and genetic evidence.

Genome-Nilou Lab
Classification: Uncertain significance for Immunodeficiency, common variable, 7. Last evaluated: 2023-04-11. Review status: criteria provided, single submitter. Criteria: ACMG Guidelines, 2015. Collection method: clinical testing. Allele origin: germline. Affected: no.

Labcorp Genetics (formerly Invitae), Labcorp
Classification: Uncertain significance for Immunodeficiency, common variable, 7. Last evaluated: 2022-08-15. Review status: criteria provided, single submitter. Criteria: Invitae Variant Classification Sherloc (09022015). Collection method: clinical testing. Allele origin: germline.
Comment: This sequence change replaces arginine, which is basic and polar, with cysteine, which is neutral and slightly polar, at codon 341 of the CR2 protein (p.Arg341Cys). This variant is present in population databases (rs529311780, gnomAD 0.009%). This variant has not been reported in the literature in individuals affected with CR2-related conditions. ClinVar contains an entry for this variant (Variation ID: 846191). Algorithms developed to predict the effect of missense changes on protein structure and function are either unavailable or do not agree on the potential impact of this missense change (SIFT: "Deleterious"; PolyPhen-2: "Probably Damaging"; Align-GVGD: "Class C15"). In summary, the available evidence is currently insufficient to determine the role of this variant in disease. Therefore, it has been classified as a Variant of Uncertain Significance.

Baylor Genetics
Classification: Uncertain significance for Immunodeficiency, common variable, 7. Last evaluated: 2018-04-19. Review status: criteria provided, single submitter. Criteria: ACMG Guidelines, 2015. Collection method: clinical testing. Allele origin: unknown. Affected: yes.
Comment: This variant was determined to be of uncertain significance according to ACMG Guidelines, 2015 [PMID:25741868].